The following is an entry in ClinVar:

NM_001966.4(EHHADH):c.1253T>C (p.Ile418Thr)

Gene: EHHADH (enoyl-CoA hydratase and 3-hydroxyacyl CoA dehydrogenase; minus strand). Cytogenetic location: 3q27.2.
Variant type: single nucleotide variant.
Coding change: c.1253T>C on transcript NM_001966.4 (MANE Select); coding-DNA position 1253, T replaced by C.
Protein change: p.Ile418Thr; replaces isoleucine 418 with threonine.
Molecular consequence: missense variant.
Genome position (GRCh38, 1-based): chr3:185,193,145, A>G on the plus strand (T>C on the coding strand, the complement: EHHADH is on the minus strand). VCF-style: chr3-185193145-A-G. GRCh37 (hg19) VCF-style: chr3-184910933-A-G.
Other names: c.965T>C, p.Ile322Thr (NM_001166415.2); short protein forms I418T, I322T.
Identifiers: ClinVar variation 4999193 (VCV004999193.1).
Genomic context (GRCh38, chr3:185,193,145, plus strand): 5'-TGAGCTGGCGAAAAGAAGTGGGTGCCAATGACCAAGTGAGGACGATCAGTGGAAGAAGCA[A>G]TCTCATCAACATCCAGGGCTGAAGTATTAGTGCACAAAAATGCTTCTGGTTTGCACACAG-3'
Protein context (NP_001957.2, residues 408-428): TNTSALDVDE[Ile418Thr]ASSTDRPHLV

ClinVar aggregate classification (germline): Uncertain significance (1 of 4 stars; one submission).

Conditions:
EHHADH-related disorder. Also called: EHHADH-related condition.

gnomAD v4.1: 5 of 1,613,204 alleles (0.00031%); highest among the groups gnomAD compares: Non-Finnish European, 0.00042%; no homozygotes.

Submission:

PreventionGenetics, part of Exact Sciences
Classification: Uncertain significance for EHHADH-related condition. Last evaluated: 2026-07-27. Review status: criteria provided, single submitter. Criteria: ACMG Guidelines, 2015. Collection method: clinical testing. Allele origin: germline.
Comment: The EHHADH c.1253T>C variant is predicted to result in the amino acid substitution p.Ile418Thr. To our knowledge, this variant has not been reported in the literature. This variant is reported in 0.0054% of alleles in individuals of East Asian descent in gnomAD. At this time, the clinical significance of this variant is uncertain due to the absence of conclusive functional and genetic evidence.